The following is an entry in ClinVar:

ClinVar aggregate classification (germline): Pathogenic/Likely pathogenic. Review status: criteria provided, multiple submitters, no conflicts (2 of 4 stars). 2 submissions from 2 submitters: Pathogenic (1); Likely pathogenic (1). Last evaluated 2025-06-24.

Conditions:
Amyotrophic lateral sclerosis type 1 (ALS1). Also called: AMYOTROPHIC LATERAL SCLEROSIS 1, FAMILIAL. Identifiers: Orphanet 803, MedGen C1862939, MONDO:0007103, OMIM 105400.

Allele frequency attached by ClinVar (database versions not stated): gnomAD exomes below 0.00001.

Submissions (2):

GeneDx
Classification: Pathogenic. Last evaluated: 2025-06-24. Review status: criteria provided, single submitter. Criteria: GeneDx Variant Classification Process June 2021. Collection method: clinical testing. Allele origin: germline.
Comment: Published functional studies demonstrate that the variant induces a conformational change that interacts with Derlin-1 and is known to be damaging (PMID: 23280792); Not observed at significant frequency in large population cohorts (gnomAD); In silico analysis supports that this missense variant has a deleterious effect on protein structure/function; Also known as p.A95T; This variant is associated with the following publications: (PMID: 16952453, 35328090, 38625400, 29525178, 31060816, 37223130, 36979682, 37668704, 38968664, 37265463, 11369193, 23280792)

Labcorp Genetics (formerly Invitae), Labcorp
Classification: Likely pathogenic for Amyotrophic lateral sclerosis type 1. Last evaluated: 2023-07-02. Review status: criteria provided, single submitter. Criteria: Invitae Variant Classification Sherloc (09022015). Collection method: clinical testing. Allele origin: germline.
Comment: In summary, the currently available evidence indicates that the variant is pathogenic, but additional data are needed to prove that conclusively. Therefore, this variant has been classified as Likely Pathogenic. This sequence change replaces alanine, which is neutral and non-polar, with threonine, which is neutral and polar, at codon 96 of the SOD1 protein (p.Ala96Thr). This variant is not present in population databases (gnomAD no frequency). This missense change has been observed in individuals with autosomal dominant amyotrophic lateral sclerosis (PMID: 11369193, 16952453). This variant is also known as A95T. ClinVar contains an entry for this variant (Variation ID: 2197104). Advanced modeling of protein sequence and biophysical properties (such as structural, functional, and spatial information, amino acid conservation, physicochemical variation, residue mobility, and thermodynamic stability) performed at Invitae indicates that this missense variant is expected to disrupt SOD1 protein function. Experimental studies have shown that this missense change affects SOD1 function (PMID: 23280792). This variant disrupts the p.Ala96 amino acid residue in SOD1. Other variant(s) that disrupt this residue have been observed in individuals with SOD1-related conditions (Invitae), which suggests that this may be a clinically significant amino acid residue.

Literature cited by the submitters: PubMed 11369193 (cited by Labcorp Genetics (formerly Invitae), Labcorp); PubMed 16952453 (cited by Labcorp Genetics (formerly Invitae), Labcorp); PubMed 23280792 (cited by Labcorp Genetics (formerly Invitae), Labcorp).

NM_000454.5(SOD1):c.286G>A (p.Ala96Thr)

Gene: SOD1 (superoxide dismutase 1; plus strand). Cytogenetic location: 21q22.11.
Variant type: single nucleotide variant.
Coding change: c.286G>A on transcript NM_000454.5 (MANE Select); coding-DNA position 286, G replaced by A.
Protein change: p.Ala96Thr; replaces alanine 96 with threonine.
Molecular consequence: missense variant.
Genome position (GRCh38, 1-based): chr21:31,667,304, G>A. VCF-style: chr21-31667304-G-A. GRCh37 (hg19) VCF-style: chr21-33039617-G-A.
Other names: short protein forms A96T.
Identifiers: ClinVar variation 2197104 (VCV002197104.6), dbSNP rs1568810686, ClinGen allele CA410037465.